The following is an entry in ClinVar:

ClinVar aggregate classification (germline): Likely benign. Review status: criteria provided, single submitter (1 of 4 stars). 2 submissions from 2 submitters: Likely benign (1). 1 of the submissions does not count toward it. Last evaluated 2025-06-13.

Conditions:
PIK3R2-related disorder. Also called: PIK3R2-related condition.
Megalencephaly-polymicrogyria-postaxial polydactyly-hydrocephalus syndrome. Also called: MPPH Syndrome; MEG-PMG-MEGACC SYNDROME. Identifiers: Orphanet 83473, MedGen C1863924, MONDO:0019375.

Allele frequency attached by ClinVar (database versions not stated): gnomAD exomes 0.00001 and 0.00004; ExAC 0.00005; ESP Exome Variant Server 0.00015; gnomAD 0.00019 and 0.00020; TOPMed 0.00019.

Submissions (2):

Labcorp Genetics (formerly Invitae), Labcorp
Classification: Likely benign for Megalencephaly-polymicrogyria-postaxial polydactyly-hydrocephalus syndrome. Last evaluated: 2025-06-13. Review status: criteria provided, single submitter. Criteria: Invitae Variant Classification Sherloc (09022015). Collection method: clinical testing. Allele origin: germline.

PreventionGenetics, part of Exact Sciences
Classification: Likely benign for PIK3R2-related condition. Last evaluated: 2019-03-20. Review status: no assertion criteria provided. Collection method: clinical testing. Allele origin: germline. Not counted in ClinVar's aggregate classification.
Comment: This variant is classified as likely benign based on ACMG/AMP sequence variant interpretation guidelines (Richards et al. 2015 PMID: 25741868, with internal and published modifications).

NM_005027.4(PIK3R2):c.1527C>T (p.Phe509=)

Gene: PIK3R2 (phosphoinositide-3-kinase regulatory subunit 2; plus strand). Cytogenetic location: 19p13.11.
Variant type: single nucleotide variant.
Coding change: c.1527C>T on transcript NM_005027.4 (MANE Select); coding-DNA position 1527, C replaced by T.
Protein change: p.Phe509=; no amino-acid change (phenylalanine 509 retained).
Molecular consequence: synonymous variant. On other transcripts: non-coding transcript variant (2).
Genome position (GRCh38, 1-based): chr19:18,166,270, C>T. VCF-style: chr19-18166270-C-T. GRCh37 (hg19) VCF-style: chr19-18277080-C-T.
Identifiers: ClinVar variation 716560 (VCV000716560.6), dbSNP rs146837517, ClinGen allele CA9307045.